The following is an entry in ClinVar:

ClinVar aggregate classification (germline): Uncertain significance (1 of 4 stars; one submission).

Conditions:
Senior-Loken syndrome 7 (SLSN7). Identifiers: Orphanet 3156, MedGen C3150877, MONDO:0013326, OMIM 613615.
Bardet-Biedl syndrome 16 (BBS16). Identifiers: Orphanet 110, MedGen C3889474, MONDO:0014444, OMIM 615993.

Allele frequency attached by ClinVar (database versions not stated): gnomAD exomes below 0.00001; gnomAD 0.00001.
gnomAD v4.1: 2 of 1,603,570 alleles (0.00012%); highest among the groups gnomAD compares: African/African-American, 0.0027%; no homozygotes.

Submission:

Labcorp Genetics (formerly Invitae), Labcorp
Classification: Uncertain significance for Bardet-Biedl syndrome 16; Senior-Loken syndrome 7. Last evaluated: 2021-07-02. Review status: criteria provided, single submitter. Criteria: Invitae Variant Classification Sherloc (09022015). Collection method: clinical testing. Allele origin: germline.
Comment: In summary, the available evidence is currently insufficient to determine the role of this variant in disease. Therefore, it has been classified as a Variant of Uncertain Significance. Algorithms developed to predict the effect of missense changes on protein structure and function are either unavailable or do not agree on the potential impact of this missense change (SIFT: "Tolerated"; PolyPhen-2: "Probably Damaging"; Align-GVGD: "Class C0"). This variant has not been reported in the literature in individuals affected with SDCCAG8-related conditions. This variant is not present in population databases (ExAC no frequency). This sequence change replaces lysine with glutamic acid at codon 489 of the SDCCAG8 protein (p.Lys489Glu). The lysine residue is highly conserved and there is a small physicochemical difference between lysine and glutamic acid.

NM_006642.5(SDCCAG8):c.1465A>G (p.Lys489Glu)

Gene: SDCCAG8 (SHH signaling and ciliogenesis regulator SDCCAG8; plus strand). Cytogenetic location: 1q43.
Variant type: single nucleotide variant.
Coding change: c.1465A>G on transcript NM_006642.5 (MANE Select); coding-DNA position 1465, A replaced by G.
Protein change: p.Lys489Glu; replaces lysine 489 with glutamic acid.
Molecular consequence: missense variant.
Genome position (GRCh38, 1-based): chr1:243,344,323, A>G. VCF-style: chr1-243344323-A-G. GRCh37 (hg19) VCF-style: chr1-243507625-A-G.
Other names: c.562A>G, p.Lys188Glu (NM_001350246.2, NM_001350247.2, NM_001350251.2); c.1561A>G, p.Lys521Glu (NM_001350248.2); c.1171A>G, p.Lys391Glu (NM_001350249.2); short protein forms K188E, K521E, K391E, K489E.
Identifiers: ClinVar variation 1478061 (VCV001478061.8), dbSNP rs1573445816, ClinGen allele CA345476045.